The following is an entry in ClinVar:

ClinVar aggregate classification (germline): Pathogenic (1 of 4 stars; one submission).

Conditions:
Lowe syndrome (OCRL). Also called: LOWE OCULOCEREBRORENAL SYNDROME; PHOSPHATIDYLINOSITOL 4,5-BISPHOSPHATE 5-PHOSPHATASE DEFICIENCY; Oculocerebrorenal Syndrome. Identifiers: Orphanet 534, MedGen C0028860, MONDO:0010645, OMIM 309000.

Submission:

Department of Paediatric Medicine, Post Graduation Institute of Medical Education and Research
Classification: Pathogenic for Lowe syndrome. Last evaluated: 2021-05-12. Review status: criteria provided, single submitter. Criteria: ACMG Guidelines, 2015. Collection method: clinical testing. Allele origin: inherited. Inheritance: X-linked recessive inheritance. Affected: yes. Observed: 1 variant allele, 1 homozygote.
Comment: A hemizygous single base pair deletion in exon 9 of the OCRL gene (chrX:g.129560565del; Depth: 41x) that results in a frameshift and premature truncation of the protein 3 amino acids downstream to codon 247 (p.Trp247GlyfsTer3; ENST00000371113.9) was detected. This variant has not been reported in the 1000 genomes, gnomAD and our internal databases. The in silico prediction# of the variant is damaging by MutationTaster. The reference region is conserved across species.

NM_000276.4(OCRL):c.739del (p.Trp247fs)

Gene: OCRL (OCRL inositol polyphosphate-5-phosphatase; plus strand). Cytogenetic location: Xq26.1.
Variant type: Deletion.
Coding change: c.739del on transcript NM_000276.4 (MANE Select); coding-DNA position 739, one base deleted (T; older notation c.739delT).
Protein change: p.Trp247fs; shifts the reading frame from tryptophan 247.
Molecular consequence: frameshift variant.
Genome position (GRCh38, 1-based): chrX:129,560,566, T deleted; the last of 2 consecutive T bases (chrX:129,560,565-129,560,566); deleting either gives the same sequence. VCF-style (leftmost placement, unchanged base first): chrX-129560564-CT-C. GRCh37 (hg19) VCF-style: chrX-128694541-CT-C.
Other names: c.742del, p.Trp248fs (NM_001318784.2); c.739del, p.Trp247fs (NM_001587.4); short protein forms W247fs, W248fs.
Identifiers: ClinVar variation 1098718 (VCV001098718.3), dbSNP rs2124404136, ClinGen allele CA2499226359.